The following is an entry in ClinVar:

NM_019098.5(CNGB3):c.2179_2180delinsGG (p.Gln727Gly)

Gene: CNGB3 (cyclic nucleotide gated channel subunit beta 3; minus strand). Cytogenetic location: 8q21.3.
Variant type: Indel.
Coding change: c.2179_2180delinsGG on transcript NM_019098.5 (MANE Select); coding-DNA positions 2179 to 2180, CA replaced by GG.
Protein change: p.Gln727Gly; replaces glutamine 727 with glycine.
Molecular consequence: missense variant.
Genome position (GRCh38, 1-based): chr8:86,576,054-86,576,055, TG replaced by CC on the plus strand (CA replaced by GG on the coding strand, the reverse complement: CNGB3 is on the minus strand). VCF-style: chr8-86576054-TG-CC. GRCh37 (hg19) VCF-style: chr8-87588282-TG-CC.
Other names: short protein forms Q727G.
Identifiers: ClinVar variation 1421459 (VCV001421459.3), dbSNP rs2131529554, ClinGen allele CA2573143395.

ClinVar aggregate classification (germline): Uncertain significance (1 of 4 stars; one submission).

Submission:

Labcorp Genetics (formerly Invitae), Labcorp
Classification: Uncertain significance. Last evaluated: 2022-10-13. Review status: criteria provided, single submitter. Criteria: Invitae Variant Classification Sherloc (09022015). Collection method: clinical testing. Allele origin: germline.
Comment: This sequence change replaces glutamine, which is neutral and polar, with glycine, which is neutral and non-polar, at codon 727 of the CNGB3 protein (p.Gln727Gly). Information on the frequency of this variant in the gnomAD database is not available, as this variant may be reported differently in the database. This variant has not been reported in the literature in individuals affected with CNGB3-related conditions. ClinVar contains an entry for this variant (Variation ID: 1421459). Algorithms developed to predict the effect of missense changes on protein structure and function are either unavailable or do not agree on the potential impact of this missense change (SIFT: "Not Available"; PolyPhen-2: "Benign"; Align-GVGD: "Not Available"). In summary, the available evidence is currently insufficient to determine the role of this variant in disease. Therefore, it has been classified as a Variant of Uncertain Significance.